The following is an entry in ClinVar:

NM_001103.4(ACTN2):c.349A>G (p.Ile117Val)

Gene: ACTN2 (actinin alpha 2; plus strand). Cytogenetic location: 1q43.
Variant type: single nucleotide variant.
Coding change: c.349A>G on transcript NM_001103.4 (MANE Select); coding-DNA position 349, A replaced by G.
Protein change: p.Ile117Val; replaces isoleucine 117 with valine.
Molecular consequence: missense variant. On other transcripts: non-coding transcript variant (1).
Genome position (GRCh38, 1-based): chr1:236,719,001, A>G. VCF-style: chr1-236719001-A-G. GRCh37 (hg19) VCF-style: chr1-236882301-A-G.
Other names: c.349A>G, p.Ile117Val (NM_001278343.2); short protein forms I117V.
Identifiers: ClinVar variation 3758250 (VCV003758250.2).
Genomic context (GRCh38, chr1:236,719,001, plus strand): 5'-ATTGCTAATGTCAACAAAGCTTTGGATTACATAGCCAGCAAAGGGGTGAAACTGGTGTCC[A>G]TTGGCGCTGAAGGTGAGAGGTGTGGTGGGTGGTCCTGTCTGCCACACTGACCTAATAGCG-3'
Protein context (NP_001094.1, residues 107-127): IASKGVKLVS[Ile117Val]GAEEIVDGNV

ClinVar aggregate classification (germline): Uncertain significance (1 of 4 stars; one submission).

Conditions:
Primary familial hypertrophic cardiomyopathy (HCM). Identifiers: Orphanet 99739, MedGen C0949658, MeSH D024741, MONDO:0024573. Inheritance: Various modes of inheritance.
Dilated cardiomyopathy 1AA (CMD1AA). Also called: CARDIOMYOPATHY, DILATED, 1AA, WITH OR WITHOUT LEFT VENTRICULAR NONCOMPACTION; CARDIOMYOPATHY, FAMILIAL HYPERTROPHIC, 23, WITH OR WITHOUT LEFT VENTRICULAR NONCOMPACTION; Cardiomyopathy, dilated, 1AA, with or without LVNC. Identifiers: Orphanet 154, MedGen C2677338, MONDO:0012808, OMIM 612158.

gnomAD v4.1: 10 of 1,614,094 alleles (0.00062%); highest among the groups gnomAD compares: Non-Finnish European, 0.00085%; no homozygotes.

Submission:

Labcorp Genetics (formerly Invitae), Labcorp
Classification: Uncertain significance for Primary familial hypertrophic cardiomyopathy; Dilated cardiomyopathy 1AA. Last evaluated: 2024-04-25. Review status: criteria provided, single submitter. Criteria: Invitae Variant Classification Sherloc (09022015). Collection method: clinical testing. Allele origin: germline.
Comment: This sequence change replaces isoleucine, which is neutral and non-polar, with valine, which is neutral and non-polar, at codon 117 of the ACTN2 protein (p.Ile117Val). This variant is present in population databases (no rsID available, gnomAD 0.002%). This variant has not been reported in the literature in individuals affected with ACTN2-related conditions. Advanced modeling of protein sequence and biophysical properties (such as structural, functional, and spatial information, amino acid conservation, physicochemical variation, residue mobility, and thermodynamic stability) performed at Invitae indicates that this missense variant is not expected to disrupt ACTN2 protein function with a negative predictive value of 80%. In summary, the available evidence is currently insufficient to determine the role of this variant in disease. Therefore, it has been classified as a Variant of Uncertain Significance.